The following is an entry in ClinVar:

ClinVar aggregate classification (germline): Uncertain significance (1 of 4 stars; one submission).

gnomAD v4.1: 36 of 1,613,978 alleles (0.0022%); highest among the groups gnomAD compares: African/African-American, 0.0067%; no homozygotes.

Submission:

Labcorp Genetics (formerly Invitae), Labcorp
Classification: Uncertain significance. Last evaluated: 2025-10-08. Review status: criteria provided, single submitter. Criteria: Invitae Variant Classification Sherloc (09022015). Collection method: clinical testing. Allele origin: germline.
Comment: This sequence change replaces proline, which is neutral and non-polar, with leucine, which is neutral and non-polar, at codon 1311 of the ERBIN protein (p.Pro1311Leu). This variant is present in population databases (rs374414625, gnomAD 0.01%). This variant has not been reported in the literature in individuals affected with ERBIN-related conditions. An algorithm developed to predict the effect of missense changes on protein structure and function (PolyPhen-2) suggests that this variant is likely to be tolerated. In summary, the available evidence is currently insufficient to determine the role of this variant in disease. Therefore, it has been classified as a Variant of Uncertain Significance.

NM_001253697.2(ERBIN):c.3932C>T (p.Pro1311Leu)

Gene: ERBIN (erbb2 interacting protein; plus strand). Cytogenetic location: 5q12.3.
Variant type: single nucleotide variant.
Coding change: c.3932C>T on transcript NM_001253697.2 (MANE Select); coding-DNA position 3932, C replaced by T.
Protein change: p.Pro1311Leu; replaces proline 1311 with leucine.
Molecular consequence: missense variant. On other transcripts: intron variant (1).
Genome position (GRCh38, 1-based): chr5:66,075,199, C>T. VCF-style: chr5-66075199-C-T. GRCh37 (hg19) VCF-style: chr5-65371027-C-T.
Other names: c.3809C>T, p.Pro1270Leu (NM_001253698.2, NM_018695.4); c.3953C>T, p.Pro1318Leu (NM_001253699.2); c.3797C>T, p.Pro1266Leu (NM_001253701.2); c.3634-1117C>T (NM_001006600.3); short protein forms P1270L, P1266L, P1311L, P1318L.
Identifiers: ClinVar variation 4706813 (VCV004706813.1).
Genomic context (GRCh38, chr5:66,075,199, plus strand): 5'-TTGATTACTTGATGCTGAAAGTGGCCCACCAGCCTCCATATACACAGCCCCATTGTTCTC[C>T]TAGACAAGGCCATGAACTGGCAAAACAAGAGGTAAGAATAATCAAGACTATTTGAAATAT-3'
Protein context (NP_001240626.1, residues 1301-1321): QPPYTQPHCS[Pro1311Leu]RQGHELAKQE